The following is an entry in ClinVar:

NM_001134407.3(GRIN2A):c.2035C>T (p.Pro679Ser)

Gene: GRIN2A (glutamate ionotropic receptor NMDA type subunit 2A; minus strand). Cytogenetic location: 16p13.2.
Variant type: single nucleotide variant.
Coding change: c.2035C>T on transcript NM_001134407.3 (MANE Select); coding-DNA position 2035, C replaced by T.
Protein change: p.Pro679Ser; replaces proline 679 with serine.
Molecular consequence: missense variant.
Genome position (GRCh38, 1-based): chr16:9,822,397, G>A on the plus strand (C>T on the coding strand, the complement: GRIN2A is on the minus strand). VCF-style: chr16-9822397-G-A. GRCh37 (hg19) VCF-style: chr16-9916254-G-A.
Other names: c.2035C>T, p.Pro679Ser (NM_000833.5, NM_001134408.2); short protein forms P679S.
Identifiers: ClinVar variation 4689906 (VCV004689906.1).
Genomic context (GRCh38, chr16:9,822,397, plus strand): 5'-GATAGTTATTCCGAATGTTTCTCTCCGTGCTTCCATTAGGCACTGTCCCAAATCGAAAAG[G>A]TGGGGAATAGTCATGAGGTCTCTGAAACTGGAGAGAGAACGAGAAAGGAAGAGAGAGAGT-3'
Protein context (NP_001127879.1, residues 669-689): KFQRPHDYSP[Pro679Ser]FRFGTVPNGS

ClinVar aggregate classification (germline): Uncertain significance (1 of 4 stars; one submission).

gnomAD v4.1: 1 of 1,612,130 alleles (0.000062%); highest among the groups gnomAD compares: Non-Finnish European, 0.000085%; no homozygotes.

Submission:

GeneDx
Classification: Uncertain significance. Last evaluated: 2025-07-28. Review status: criteria provided, single submitter. Criteria: GeneDx Variant Classification Process June 2021. Collection method: clinical testing. Allele origin: germline. Affected: yes.
Comment: Has not been previously published as pathogenic or benign to our knowledge; Not observed at significant frequency in large population cohorts (gnomAD); In silico analysis supports that this missense variant has a deleterious effect on protein structure/function; This variant is associated with the following publications: (PMID: 27839871)